The following is an entry in ClinVar:

ClinVar aggregate classification (germline): Benign/Likely benign. Review status: criteria provided, multiple submitters, no conflicts (2 of 4 stars). 4 submissions from 4 submitters: Benign (1); Likely benign (3). Last evaluated 2025-10-09.

Conditions:
Genitopatellar syndrome (GTPTS). Also called: Genitopatellar syndrome (GPS); ABSENT PATELLAE, SCROTAL HYPOPLASIA, RENAL ANOMALIES, FACIAL DYSMORPHISM, AND MENTAL RETARDATION. Identifiers: Orphanet 85201, MedGen C1853566, MONDO:0011640, OMIM 606170.
Blepharophimosis - intellectual disability syndrome, SBBYS type (SBBYSS). Also called: Say-Barber-Biesecker variant of Ohdo syndrome (SBBYSS); Say-Barber-Biesecker-Young-Simpson variant of Ohdo Syndrome; Say-Barber-Biesecker Variant of Ohdo Syndrome; Young Simpson syndrome; Mental retardation unusual facies hypothyroidism; Ohdo syndrome, SBBYS variant. Identifiers: Orphanet 3047, MedGen C1863557, MONDO:0011365, OMIM 603736.

Allele frequency attached by ClinVar (database versions not stated): ExAC 0.00002; gnomAD exomes 0.00004; ESP Exome Variant Server 0.00015; 1000 Genomes Project 30x 0.00016; gnomAD 0.00016; 1000 Genomes Project 0.00020; TOPMed 0.00021.
gnomAD v4.1: 84 of 1,614,114 alleles (0.0052%); highest among the groups gnomAD compares: African/African-American, 0.036%; no homozygotes.

Submissions (4):

Labcorp Genetics (formerly Invitae), Labcorp
Classification: Benign for Genitopatellar syndrome. Last evaluated: 2025-10-09. Review status: criteria provided, single submitter. Criteria: Invitae Variant Classification Sherloc (09022015). Collection method: clinical testing. Allele origin: germline.

CeGaT Center for Human Genetics Tuebingen
Classification: Likely benign. Last evaluated: 2023-05-01. Review status: criteria provided, single submitter. Criteria: CeGaT Center For Human Genetics Tuebingen Variant Classification Criteria Version 2. Collection method: clinical testing. Allele origin: germline. Affected: yes. Observed: 1 variant allele.
Comment: KAT6B: BS1

Fulgent Genetics
Classification: Likely benign for Blepharophimosis - intellectual disability syndrome, SBBYS type; Genitopatellar syndrome. Last evaluated: 2022-04-18. Review status: criteria provided, single submitter. Criteria: ACMG Guidelines, 2015. Collection method: clinical testing. Allele origin: unknown.

GeneDx
Classification: Likely benign. Last evaluated: 2021-01-25. Review status: criteria provided, single submitter. Criteria: GeneDx Variant Classification Process June 2021. Collection method: clinical testing. Allele origin: germline. Affected: yes.
Comment: In silico analysis, which includes protein predictors and evolutionary conservation, supports a deleterious effect; Has not been previously published as pathogenic or benign to our knowledge

NM_012330.4(KAT6B):c.3028C>T (p.Arg1010Trp)

Gene: KAT6B (lysine acetyltransferase 6B; plus strand). Cytogenetic location: 10q22.2.
Variant type: single nucleotide variant.
Coding change: c.3028C>T on transcript NM_012330.4 (MANE Select); coding-DNA position 3028, C replaced by T.
Protein change: p.Arg1010Trp; replaces arginine 1010 with tryptophan.
Molecular consequence: missense variant.
Genome position (GRCh38, 1-based): chr10:75,021,887, C>T. VCF-style: chr10-75021887-C-T. GRCh37 (hg19) VCF-style: chr10-76781645-C-T.
Other names: c.2479C>T, p.Arg827Trp (NM_001256468.2, NM_001370138.1); c.2152C>T, p.Arg718Trp (NM_001256469.2, NM_001370139.1, NM_001370140.1 and 2 more transcripts); c.1990C>T, p.Arg664Trp (NM_001370132.1); c.1339C>T, p.Arg447Trp (NM_001370133.1); c.943C>T, p.Arg315Trp (NM_001370134.1); c.685C>T, p.Arg229Trp (NM_001370135.1); c.3028C>T, p.Arg1010Trp (NM_001370136.1, NM_001370137.1); c.1963C>T, p.Arg655Trp (NM_001370143.1, NM_001370144.1); short protein forms R1010W, R229W, R315W, R447W, R655W, R664W, R718W, R827W.
Identifiers: ClinVar variation 1198527 (VCV001198527.35), dbSNP rs142309185, ClinGen allele CA5564715.